The following is an entry in ClinVar:

NM_001854.4(COL11A1):c.3517A>G (p.Arg1173Gly)

Gene: COL11A1 (collagen type XI alpha 1 chain; minus strand). Cytogenetic location: 1p21.1.
Variant type: single nucleotide variant.
Coding change: c.3517A>G on transcript NM_001854.4 (MANE Select); coding-DNA position 3517, A replaced by G.
Protein change: p.Arg1173Gly; replaces arginine 1173 with glycine.
Molecular consequence: missense variant. On other transcripts: non-coding transcript variant (1).
Genome position (GRCh38, 1-based): chr1:102,934,532, T>C on the plus strand (A>G on the coding strand, the complement: COL11A1 is on the minus strand). VCF-style: chr1-102934532-T-C. GRCh37 (hg19) VCF-style: chr1-103400088-T-C.
Other names: c.3169A>G, p.Arg1057Gly (NM_001168249.1, NM_080630.4); c.3400A>G, p.Arg1134Gly (NM_001190709.2); c.3553A>G, p.Arg1185Gly (NM_080629.3); c.3517A>G (NM_001854.3); short protein forms R1173G, R1185G, R1057G, R1134G.
Identifiers: ClinVar variation 2127059 (VCV002127059.5), dbSNP rs748514838, ClinGen allele CA973972.

ClinVar aggregate classification (germline): Uncertain significance. Review status: criteria provided, multiple submitters, no conflicts (2 of 4 stars). 2 submissions from 2 submitters: Uncertain significance (2). Last evaluated 2025-02-14.

Conditions:
Inborn genetic diseases. Identifiers: MedGen C0950123, MeSH D030342.

Allele frequency attached by ClinVar (database versions not stated): gnomAD exomes below 0.00001; ExAC 0.00001.
gnomAD v4.1: 1 of 1,614,058 alleles (0.000062%); highest among the groups gnomAD compares: Non-Finnish European, 0.000085%; no homozygotes.

Submissions (2):

Ambry Genetics
Classification: Uncertain significance for Inborn genetic diseases. Last evaluated: 2025-02-14. Review status: criteria provided, single submitter. Criteria: Ambry Variant Classification Scheme 2023. Collection method: clinical testing. Allele origin: germline.

Labcorp Genetics (formerly Invitae), Labcorp
Classification: Uncertain significance. Last evaluated: 2024-09-24. Review status: criteria provided, single submitter. Criteria: Invitae Variant Classification Sherloc (09022015). Collection method: clinical testing. Allele origin: germline.
Comment: This sequence change replaces arginine, which is basic and polar, with glycine, which is neutral and non-polar, at codon 1173 of the COL11A1 protein (p.Arg1173Gly). This variant is present in population databases (rs748514838, gnomAD 0.0009%). This variant has not been reported in the literature in individuals affected with COL11A1-related conditions. ClinVar contains an entry for this variant (Variation ID: 2127059). Invitae Evidence Modeling of protein sequence and biophysical properties (such as structural, functional, and spatial information, amino acid conservation, physicochemical variation, residue mobility, and thermodynamic stability) has been performed for this missense variant. However, the output from this modeling did not meet the statistical confidence thresholds required to predict the impact of this variant on COL11A1 protein function. In summary, the available evidence is currently insufficient to determine the role of this variant in disease. Therefore, it has been classified as a Variant of Uncertain Significance.